The following is an entry in ClinVar:

ClinVar aggregate classification (germline): Uncertain significance (1 of 4 stars; one submission).

Allele frequency attached by ClinVar (database versions not stated): TOPMed below 0.00001; ExAC 0.00001; gnomAD exomes 0.00001.
gnomAD v4.1: 16 of 1,614,120 alleles (0.00099%); highest among the groups gnomAD compares: South Asian, 0.0022%; no homozygotes.

Submission:

Labcorp Genetics (formerly Invitae), Labcorp
Classification: Uncertain significance. Last evaluated: 2022-05-20. Review status: criteria provided, single submitter. Criteria: Invitae Variant Classification Sherloc (09022015). Collection method: clinical testing. Allele origin: germline.
Comment: Algorithms developed to predict the effect of missense changes on protein structure and function are either unavailable or do not agree on the potential impact of this missense change (SIFT: "Deleterious"; PolyPhen-2: "Possibly Damaging"; Align-GVGD: "Class C0"). In summary, the available evidence is currently insufficient to determine the role of this variant in disease. Therefore, it has been classified as a Variant of Uncertain Significance. This variant has not been reported in the literature in individuals affected with FERMT1-related conditions. This variant is not present in population databases (gnomAD no frequency). This sequence change replaces arginine, which is basic and polar, with glutamine, which is neutral and polar, at codon 619 of the FERMT1 protein (p.Arg619Gln).

NM_017671.5(FERMT1):c.1856G>A (p.Arg619Gln)

Gene: FERMT1 (FERM domain containing kindlin 1; minus strand). Cytogenetic location: 20p12.3.
Variant type: single nucleotide variant.
Coding change: c.1856G>A on transcript NM_017671.5 (MANE Select); coding-DNA position 1856, G replaced by A.
Protein change: p.Arg619Gln; replaces arginine 619 with glutamine.
Molecular consequence: missense variant.
Genome position (GRCh38, 1-based): chr20:6,079,440, C>T on the plus strand (G>A on the coding strand, the complement: FERMT1 is on the minus strand). VCF-style: chr20-6079440-C-T. GRCh37 (hg19) VCF-style: chr20-6060087-C-T.
Other names: short protein forms R619Q.
Identifiers: ClinVar variation 1996979 (VCV001996979.4), dbSNP rs773937264, ClinGen allele CA9758017.